The following is an entry in ClinVar:

NM_000256.3(MYBPC3):c.798CCT[1] (p.Leu268del)

Gene: MYBPC3 (myosin binding protein C3; minus strand). Cytogenetic location: 11p11.2.
Variant type: Microsatellite.
Coding change: c.798CCT[1] on transcript NM_000256.3 (MANE Select); one copy of the 3-base unit CCT starting at c.798; the reference has two copies in a row; one copy, 3 bases deleted.
Protein change: p.Leu268del; deletes leucine 268.
Molecular consequence: inframe deletion.
Genome position (GRCh38, 1-based): chr11:47,347,875-47,347,877, AGG deleted on the plus strand (CCT on the coding strand, the reverse complement: MYBPC3 is on the minus strand); deleting any 3 consecutive bases within chr11:47,347,875-47,347,880 gives the same sequence; the position shown is the placement nearest the transcript's 3' end. VCF-style (leftmost placement, unchanged base first): chr11-47347874-TAGG-T. GRCh37 (hg19) VCF-style: chr11-47369425-TAGG-T.
Other names: c.801_803delCCT (NM_000256.3); short protein forms L268del.
Identifiers: ClinVar variation 1761646 (VCV001761646.2), dbSNP rs2495775349, ClinGen allele CA2580615681.
Genomic context (GRCh38, chr11:47,347,874, plus strand): 5'-CTCCAGCACTGGCCTCCCCCAGGCCCTGAGGATGGCCACTCACGTGCGGCGGAAGGCTGA[TAGG>T]AGGTCCAGGTCTCCGGTGCCCATGGCCTCTGGGTTCAAAGGGTGGAGAGATGGGGGAAGG-3'

ClinVar aggregate classification (germline): Uncertain significance (1 of 4 stars; one submission).

Conditions:
Cardiovascular phenotype. Identifiers: MedGen CN230736.

Submission:

Ambry Genetics
Classification: Uncertain significance for Cardiovascular phenotype. Last evaluated: 2020-10-12. Review status: criteria provided, single submitter. Criteria: Ambry Variant Classification Scheme 2023. Collection method: clinical testing. Allele origin: germline.
Comment: The c.801_803delCCT variant (also known as p.L268del) is located in coding exon 7 of the MYBPC3 gene. This variant results from an in-frame CCT deletion at nucleotide positions 801 to 803. This results in the in-frame deletion of a leucine at codon 268. This amino acid position is poorly conserved in available vertebrate species. Since supporting evidence is limited at this time, the clinical significance of this alteration remains unclear.